The following is an entry in ClinVar:

ClinVar aggregate classification (germline): Likely pathogenic (1 of 4 stars; one submission).

Conditions:
Perlman syndrome (PRLMNS). Identifiers: Orphanet 2849, MedGen C0796113, MONDO:0009965, OMIM 267000.

Submission:

Labcorp Genetics (formerly Invitae), Labcorp
Classification: Likely pathogenic for Renal hamartomas nephroblastomatosis and fetal gigantism. Last evaluated: 2019-01-17. Review status: criteria provided, single submitter. Criteria: Invitae Variant Classification Sherloc (09022015). Collection method: clinical testing. Allele origin: germline.
Comment: This variant is a gross deletion of the genomic region encompassing exons 15-21 of the DIS3L2 gene. The 5' boundary is likely confined to intron 14. The 3' end of this event is unknown as it extends through the termination codon beyond the assayed region for this gene and may encompass additional genes. While this deletion is not anticipated to result in nonsense mediated decay, it is expected to create a truncated protein product or disrupt mRNA translation. This variant has not been reported in the literature in individuals with DIS3L2-related disease. This variant deletes a part of the ribonuclease II domain and all of the S1 RNA-binding domain of the DIS3L2 protein (PMID: 24141620, 23594738, 16957732). While there are no functional studies available for this variant, experimental studies have shown that deletion of S1 RNA-binding domain abolishes DIS3L2 ability to bind and degrade uridylated pre-let-7 RNA (PMID: 23594738). This suggests that disruption of this region of the protein is causative of disease. In summary, the currently available evidence indicates that the variant is pathogenic, but additional data are needed to prove that conclusively. Therefore, this variant has been classified as Likely Pathogenic.

Literature cited by the submitters: PubMed 23594738; PubMed 24141620; PubMed 16957732.

NC_000002.12:g.(?_232329803)_(232336640_?)del

Gene: DIS3L2 (DIS3 like 3'-5' exoribonuclease 2; plus strand). Cytogenetic location: 2q37.1.
Variant type: Deletion.
Identifiers: ClinVar variation 649070 (VCV000649070.2).